The following is an entry in ClinVar:

NM_001184.4(ATR):c.7313A>C (p.Glu2438Ala)

Gene: ATR (ATR checkpoint kinase; minus strand). Cytogenetic location: 3q23.
Variant type: single nucleotide variant.
Coding change: c.7313A>C on transcript NM_001184.4 (MANE Select); coding-DNA position 7313, A replaced by C.
Protein change: p.Glu2438Ala; replaces glutamic acid 2438 with alanine.
Molecular consequence: missense variant.
Genome position (GRCh38, 1-based): chr3:142,459,263, T>G on the plus strand (A>C on the coding strand, the complement: ATR is on the minus strand). VCF-style: chr3-142459263-T-G. GRCh37 (hg19) VCF-style: chr3-142178105-T-G.
Other names: c.7121A>C, p.Glu2374Ala (NM_001354579.2); short protein forms E2374A, E2438A.
Identifiers: ClinVar variation 1758270 (VCV001758270.2), dbSNP rs1031690432, ClinGen allele CA354796608.

ClinVar aggregate classification (germline): Uncertain significance (1 of 4 stars; one submission).

Conditions:
Inborn genetic diseases. Identifiers: MedGen C0950123, MeSH D030342.

Submission:

Ambry Genetics
Classification: Uncertain significance for Inborn genetic diseases. Last evaluated: 2021-09-08. Review status: criteria provided, single submitter. Criteria: Ambry Variant Classification Scheme 2023. Collection method: clinical testing. Allele origin: germline.
Comment: The p.E2438A variant (also known as c.7313A>C), located in coding exon 43 of the ATR gene, results from an A to C substitution at nucleotide position 7313. The glutamic acid at codon 2438 is replaced by alanine, an amino acid with dissimilar properties. This amino acid position is conserved. In addition, the in silico prediction for this alteration is inconclusive. Since supporting evidence is limited at this time, the clinical significance of this alteration remains unclear.